The following is an entry in ClinVar:

ClinVar aggregate classification (germline): Uncertain significance (1 of 4 stars; one submission).

Conditions:
Early-infantile DEE. Also called: Early infantile epileptic encephalopathy with suppression bursts; Ohtahara syndrome; Early infantile epileptic encephalopathy. Identifiers: Orphanet 1934, MedGen C0393706, MONDO:0800491.

Allele frequency attached by ClinVar (database versions not stated): TOPMed below 0.00001.

Submission:

Labcorp Genetics (formerly Invitae), Labcorp
Classification: Uncertain significance for Early-infantile DEE. Last evaluated: 2026-01-16. Review status: criteria provided, single submitter. Criteria: Invitae Variant Classification Sherloc (09022015). Collection method: clinical testing. Allele origin: germline.
Comment: This sequence change replaces serine, which is neutral and polar, with asparagine, which is neutral and polar, at codon 852 of the KCNH5 protein (p.Ser852Asn). This variant is not present in population databases (gnomAD no frequency). This variant has not been reported in the literature in individuals affected with KCNH5-related conditions. ClinVar contains an entry for this variant (Variation ID: 2076736). Invitae Evidence Modeling of protein sequence and biophysical properties (such as structural, functional, and spatial information, amino acid conservation, physicochemical variation, residue mobility, and thermodynamic stability) indicates that this missense variant is not expected to disrupt KCNH5 protein function with a negative predictive value of 95%. In summary, the available evidence is currently insufficient to determine the role of this variant in disease. Therefore, it has been classified as a Variant of Uncertain Significance.

NM_139318.5(KCNH5):c.2555G>A (p.Ser852Asn)

Gene: KCNH5 (potassium voltage-gated channel subfamily H member 5; minus strand). Cytogenetic location: 14q23.2.
Variant type: single nucleotide variant.
Coding change: c.2555G>A on transcript NM_139318.5 (MANE Select); coding-DNA position 2555, G replaced by A.
Protein change: p.Ser852Asn; replaces serine 852 with asparagine.
Molecular consequence: missense variant. On other transcripts: 3 prime UTR variant (1).
Genome position (GRCh38, 1-based): chr14:62,707,920, C>T on the plus strand (G>A on the coding strand, the complement: KCNH5 is on the minus strand). VCF-style: chr14-62707920-C-T. GRCh37 (hg19) VCF-style: chr14-63174638-C-T.
Other names: c.*522G>A (NM_172375.3); short protein forms S852N.
Identifiers: ClinVar variation 2076736 (VCV002076736.4), dbSNP rs1884472957, ClinGen allele CA390100341.
Genomic context (GRCh38, chr14:62,707,920, plus strand): 5'-TCACTTTTTGTAATTCCACTGTCACAAGAATCTGTTTTTCTTAGTGGGTTTTTGGTCACA[C>T]TGTTCTCTGAATCACTGCTCTTGGGGTCCTCAGACAATAGCCCCATTGACTCAGCTTTAG-3'
Protein context (NP_647479.2, residues 842-862): EDPKSSDSEN[Ser852Asn]VTKNPLRKTD